The following is an entry in ClinVar:

NM_025219.3(DNAJC5):c.20G>A (p.Arg7His)

Gene: DNAJC5 (DnaJ heat shock protein family (Hsp40) member C5; plus strand). Cytogenetic location: 20q13.33.
Variant type: single nucleotide variant.
Coding change: c.20G>A on transcript NM_025219.3 (MANE Select); coding-DNA position 20, G replaced by A.
Protein change: p.Arg7His; replaces arginine 7 with histidine.
Molecular consequence: missense variant.
Genome position (GRCh38, 1-based): chr20:63,928,365, G>A. VCF-style: chr20-63928365-G-A. GRCh37 (hg19) VCF-style: chr20-62559718-G-A.
Other names: short protein forms R7H.
Identifiers: ClinVar variation 849077 (VCV000849077.7), dbSNP rs2053633035, ClinGen allele CA409715244.

ClinVar aggregate classification (germline): Uncertain significance (1 of 4 stars; one submission).

Conditions:
Neuronal ceroid lipofuscinosis. Also called: Neuronal Ceroid Lipofuscinoses. Identifiers: Orphanet 216, Orphanet 79263, MedGen C0027877, MONDO:0016295. Disease mechanism: loss of function.

Allele frequency attached by ClinVar (database versions not stated): gnomAD exomes below 0.00001; TOPMed below 0.00001.
gnomAD v4.1: 6 of 1,613,880 alleles (0.00037%); highest among the groups gnomAD compares: South Asian, 0.0011%; no homozygotes.

Submission:

Labcorp Genetics (formerly Invitae), Labcorp
Classification: Uncertain significance for Neuronal ceroid lipofuscinosis. Last evaluated: 2021-09-08. Review status: criteria provided, single submitter. Criteria: Invitae Variant Classification Sherloc (09022015). Collection method: clinical testing. Allele origin: germline.
Comment: This sequence change replaces arginine with histidine at codon 7 of the DNAJC5 protein (p.Arg7His). The arginine residue is moderately conserved and there is a small physicochemical difference between arginine and histidine. This variant is not present in population databases (ExAC no frequency). This variant has not been reported in the literature in individuals affected with DNAJC5-related conditions. Algorithms developed to predict the effect of missense changes on protein structure and function are either unavailable or do not agree on the potential impact of this missense change (SIFT: "Deleterious"; PolyPhen-2: "Probably Damaging"; Align-GVGD: "Class C0"). In summary, the available evidence is currently insufficient to determine the role of this variant in disease. Therefore, it has been classified as a Variant of Uncertain Significance.